The following is an entry in ClinVar:

ClinVar aggregate classification (germline): Uncertain significance (1 of 4 stars; one submission).

Conditions:
Aicardi-Goutieres syndrome 6 (AGS6). Identifiers: Orphanet 51, MedGen C3539013, MONDO:0014007, OMIM 615010.
Symmetrical dyschromatosis of extremities (DSH). Also called: DYSCHROMATOSIS SYMMETRICA HEREDITARIA 1; RETICULATE ACROPIGMENTATION OF DOHI; SYMMETRIC DYSCHROMATOSIS OF THE EXTREMITIES; Dyschromatosis symmetrica hereditaria. Identifiers: Orphanet 41, MedGen C0406775, MONDO:0007483, OMIM 127400.

Allele frequency attached by ClinVar (database versions not stated): gnomAD exomes 0.00001; ExAC 0.00002.
gnomAD v4.1: 3 of 1,614,176 alleles (0.00019%); highest among the groups gnomAD compares: Admixed American, 0.005%; no homozygotes.

Submission:

Labcorp Genetics (formerly Invitae), Labcorp
Classification: Uncertain significance for Aicardi-Goutieres syndrome 6; Symmetrical dyschromatosis of extremities. Last evaluated: 2023-12-30. Review status: criteria provided, single submitter. Criteria: Invitae Variant Classification Sherloc (09022015). Collection method: clinical testing. Allele origin: germline.
Comment: This sequence change replaces glycine, which is neutral and non-polar, with serine, which is neutral and polar, at codon 19 of the ADAR protein (p.Gly19Ser). This variant is present in population databases (rs746103046, gnomAD 0.006%). This variant has not been reported in the literature in individuals affected with ADAR-related conditions. ClinVar contains an entry for this variant (Variation ID: 1025573). Algorithms developed to predict the effect of missense changes on protein structure and function output the following: SIFT: "Not Available"; PolyPhen-2: "Benign"; Align-GVGD: "Not Available". The serine amino acid residue is found in multiple mammalian species, which suggests that this missense change does not adversely affect protein function. In summary, the available evidence is currently insufficient to determine the role of this variant in disease. Therefore, it has been classified as a Variant of Uncertain Significance.

NM_001111.5(ADAR):c.55G>A (p.Gly19Ser)

Gene: ADAR (adenosine deaminase RNA specific; minus strand). Cytogenetic location: 1q21.3.
Variant type: single nucleotide variant.
Coding change: c.55G>A on transcript NM_001111.5 (MANE Select); coding-DNA position 55, G replaced by A.
Protein change: p.Gly19Ser; replaces glycine 19 with serine.
Molecular consequence: missense variant. On other transcripts: 5 prime UTR variant (6).
Genome position (GRCh38, 1-based): chr1:154,602,587, C>T on the plus strand (G>A on the coding strand, the complement: ADAR is on the minus strand). VCF-style: chr1-154602587-C-T. GRCh37 (hg19) VCF-style: chr1-154575063-C-T.
Other names: c.55G>A, p.Gly19Ser (NM_015841.4, NM_015840.4); c.-831G>A (NM_001025107.3, NM_001193495.2, NM_001365048.1); c.82G>A, p.Gly28Ser (NM_001365045.1); c.-695G>A (NM_001365046.1, NM_001365047.1, NM_001365049.1); short protein forms G19S, G28S.
Identifiers: ClinVar variation 1025573 (VCV001025573.8), dbSNP rs746103046, ClinGen allele CA1131772.
Genomic context (GRCh38, chr1:154,602,587, plus strand): 5'-AACTACTGGGGGAAGATCCTGGCCCAGGCTGCTGGTACCTGAGCTGTCTGTGCTCATAGC[C>T]TTGAAATGGATGGGTGTAGTATCCGCTGAGGGAATACCCCTGCAGAATAAGACAGTGGAA-3'
Protein context (NP_001102.3, residues 9-29): LSGYYTHPFQ[Gly19Ser]YEHRQLRYQQ